The following is an entry in ClinVar:

ClinVar aggregate classification (germline): Pathogenic/Likely pathogenic. Review status: criteria provided, multiple submitters, no conflicts (2 of 4 stars). 2 submissions from 2 submitters: Pathogenic (1); Likely pathogenic (1). Last evaluated 2023-08-20.

Conditions:
Retinitis pigmentosa 25 (RP25). Identifiers: Orphanet 791, MedGen C1864446, MONDO:0011272, OMIM 602772.

Allele frequency attached by ClinVar (database versions not stated): gnomAD exomes below 0.00001.
gnomAD v4.1: 1 of 1,513,046 alleles (0.000066%); highest among the groups gnomAD compares: South Asian, 0.0013%; no homozygotes.

Submissions (2):

Baylor Genetics
Classification: Pathogenic for Retinitis pigmentosa 25. Last evaluated: 2023-08-20. Review status: criteria provided, single submitter. Criteria: ACMG Guidelines, 2015. Collection method: clinical testing. Allele origin: unknown.

Labcorp Genetics (formerly Invitae), Labcorp
Classification: Likely pathogenic. Last evaluated: 2023-07-25. Review status: criteria provided, single submitter. Criteria: Invitae Variant Classification Sherloc (09022015). Collection method: clinical testing. Allele origin: germline.
Comment: In summary, the currently available evidence indicates that the variant is pathogenic, but additional data are needed to prove that conclusively. Therefore, this variant has been classified as Likely Pathogenic. Algorithms developed to predict the effect of sequence changes on RNA splicing suggest that this variant may disrupt the consensus splice site. Disruption of this splice site has been observed in individual(s) with retinitis pigmentosa (PMID: 20333770). This variant is present in population databases (no rsID available, gnomAD 0.005%). This sequence change affects an acceptor splice site in intron 18 of the EYS gene. It is expected to disrupt RNA splicing. Variants that disrupt the donor or acceptor splice site typically lead to a loss of protein function (PMID: 16199547), and loss-of-function variants in EYS are known to be pathogenic (PMID: 18836446, 20333770).

Literature cited by the submitters: PubMed 20333770 (cited by Labcorp Genetics (formerly Invitae), Labcorp); PubMed 16199547 (cited by Labcorp Genetics (formerly Invitae), Labcorp); PubMed 18836446 (cited by Labcorp Genetics (formerly Invitae), Labcorp).

NM_001142800.2(EYS):c.2847-1G>T

Gene: EYS (EGF-like photoreceptor maintenance factor; minus strand). Cytogenetic location: 6q12.
Variant type: single nucleotide variant.
Coding change: c.2847-1G>T on transcript NM_001142800.2 (MANE Select); the canonical splice acceptor site of the intron before coding-DNA position 2847, G replaced by T.
Molecular consequence: splice acceptor variant.
Genome position (GRCh38, 1-based): chr6:64,886,843, C>A on the plus strand (G>T on the coding strand, the complement: EYS is on the minus strand). VCF-style: chr6-64886843-C-A. GRCh37 (hg19) VCF-style: chr6-65596736-C-A.
Other names: c.2847-1G>T (NM_001292009.2).
Identifiers: ClinVar variation 2675255 (VCV002675255.4), dbSNP rs1368916345, ClinGen allele CA364788928.
Genomic context (GRCh38, chr6:64,886,843, plus strand): 5'-TTATTTACATCAAGTTCACAGAAGGGCCCATGGTACTCAGGTTCACAATTACAAAAAAAT[C>A]TGGAGAAAAGTGGAGAAATGAGGAATAGCCATGTAACAATGATAATCATTTATTATATAT-3'